The following is an entry in ClinVar:

ClinVar aggregate classification (germline): Pathogenic. Review status: criteria provided, single submitter (1 of 4 stars). 2 submissions from 2 submitters: Pathogenic (1). 1 of the submissions does not count toward it. Last evaluated 2022-04-24.

Conditions:
Ehlers-Danlos syndrome, type 4 (EDSVASC). Also called: Ehlers-Danlos syndrome vascular type; Ehlers Danlos syndrome, ecchymotic type; Ehlers Danlos syndrome, arterial type; Ehlers Danlos syndrome, Sack-Barabas type; Ehlers-Danlos Syndrome Type IV. Identifiers: Orphanet 286, MedGen C0268338, MONDO:0017314, OMIM 130050.

Submissions (2):

Labcorp Genetics (formerly Invitae), Labcorp
Classification: Pathogenic for Ehlers-Danlos syndrome, type 4. Last evaluated: 2022-04-24. Review status: criteria provided, single submitter. Criteria: Invitae Variant Classification Sherloc (09022015). Collection method: clinical testing. Allele origin: germline.
Comment: For these reasons, this variant has been classified as Pathogenic. Algorithms developed to predict the effect of sequence changes on RNA splicing suggest that this variant may disrupt the consensus splice site. ClinVar contains an entry for this variant (Variation ID: 101220). Disruption of this splice site has been observed in individuals with clinical features of COL3A1-related conditions (PMID: 9399899, 27011056; Invitae). This variant is not present in population databases (gnomAD no frequency). This sequence change affects an acceptor splice site in intron 16 of the COL3A1 gene. It is expected to disrupt RNA splicing. Variants that disrupt the donor or acceptor splice site typically lead to a loss of protein function (PMID: 16199547), and loss-of-function variants in COL3A1 are known to be pathogenic (PMID: 24922459).

Collagen Diagnostic Laboratory, University of Washington
Classification: Pathogenic for Ehlers-Danlos syndrome, type 4. Review status: no assertion criteria provided. Collection method: clinical testing. Allele origin: germline. Affected: yes. Not counted in ClinVar's aggregate classification.

Literature cited by the submitters: PubMed 9399899 (cited by Labcorp Genetics (formerly Invitae), Labcorp and Collagen Diagnostic Laboratory, University of Washington); PubMed 27011056 (cited by Labcorp Genetics (formerly Invitae), Labcorp); PubMed 16199547 (cited by Labcorp Genetics (formerly Invitae), Labcorp); PubMed 24922459 (cited by Labcorp Genetics (formerly Invitae), Labcorp); PubMed 10706896 (cited by Collagen Diagnostic Laboratory, University of Washington); PubMed 9036918 (cited by Collagen Diagnostic Laboratory, University of Washington).

NM_000090.4(COL3A1):c.1150-1G>C

Gene: COL3A1 (collagen type III alpha 1 chain; plus strand). Cytogenetic location: 2q32.2.
Variant type: single nucleotide variant.
Coding change: c.1150-1G>C on transcript NM_000090.4 (MANE Select); the canonical splice acceptor site of the intron before coding-DNA position 1150, G replaced by C.
Molecular consequence: splice acceptor variant.
Genome position (GRCh38, 1-based): chr2:188,994,037, G>C. VCF-style: chr2-188994037-G-C. GRCh37 (hg19) VCF-style: chr2-189858763-G-C.
Identifiers: ClinVar variation 101220 (VCV000101220.7), dbSNP rs587779520, ClinGen allele CA004101.